The following is an entry in ClinVar:

NM_000179.3(MSH6):c.1237TGG[1] (p.Trp414del)

Gene: MSH6 (mutS homolog 6; plus strand). Cytogenetic location: 2p16.3.
Variant type: Microsatellite.
Coding change: c.1237TGG[1] on transcript NM_000179.3 (MANE Select); one copy of the 3-base unit TGG starting at c.1237; the reference has two copies in a row; one copy, 3 bases deleted.
Protein change: p.Trp414del; deletes tryptophan 414.
Molecular consequence: inframe deletion. On other transcripts: inframe indel (37).
Genome position (GRCh38, 1-based): chr2:47,799,223-47,799,225, TGG deleted; deleting any 3 consecutive bases within chr2:47,799,219-47,799,225 gives the same sequence; the position shown is the placement nearest the transcript's 3' end. VCF-style (leftmost placement, unchanged base first): chr2-47799218-AGTG-A. GRCh37 (hg19) VCF-style: chr2-48026357-AGTG-A.
Other names: c.1237_1239TGG[1], p.Trp414del (NM_000179.2, NM_001406796.1, NM_001406798.1 and 5 more transcripts); c.847TGG[1], p.Trp284del (NM_001281492.2); c.331TGG[1], p.Trp112del (NM_001281493.2, NM_001281494.2); c.1333_1335TGG[1], p.Trp446del (NM_001406795.1, NM_001406802.1); c.940_942TGG[1], p.Trp315del (NM_001406797.1, NM_001406801.1, NM_001406805.1 and 10 more transcripts); c.712_714TGG[1], p.Trp239del (NM_001406799.1, NM_001406806.1, NM_001406807.1); c.1159_1161TGG[1], p.Trp388del (NM_001406804.1); c.331_333TGG[1], p.Trp112del (NM_001406811.1, NM_001406812.1, NM_001406814.1 and 4 more transcripts); and 3 more; short protein forms W358del, W388del, W112del, W239del, W414del, W446del, W284del, W315del.
Identifiers: ClinVar variation 1758110 (VCV001758110.2), dbSNP rs2530598486, ClinGen allele CA2580611349.
Genomic context (GRCh38, chr2:47,799,218, plus strand): 5'-ATGCATCTACACTCTATGTGCCTGAGGATTTCCTCAATTCTTGTACTCCTGGGATGAGGA[AGTG>A]GTGGCAGATTAAGTCTCAGAACTTTGATCTTGTCATCTGTTACAAGGTGGGGAAATTTTA-3'

ClinVar aggregate classification (germline): Uncertain significance (1 of 4 stars; one submission).

Conditions:
Hereditary cancer-predisposing syndrome. Also called: Neoplastic Syndromes, Hereditary; Tumor predisposition; Hereditary Cancer Syndrome; Hereditary neoplastic syndrome. Identifiers: Orphanet 140162, MedGen C0027672, MeSH D009386, MONDO:0015356.

Submission:

Ambry Genetics
Classification: Uncertain significance for Hereditary cancer-predisposing syndrome. Last evaluated: 2020-03-03. Review status: criteria provided, single submitter. Criteria: Ambry Variant Classification Scheme 2023. Collection method: clinical testing. Allele origin: germline.
Comment: The c.1240_1242delTGG variant (also known as p.W414del) is located in coding exon 4 of the MSH6 gene. This variant results from an in-frame TGG deletion at nucleotide positions 1240 to 1242. This results in the in-frame deletion of a tryptophan at codon 414. This amino acid position is highly conserved in available vertebrate species. In addition, this alteration is predicted to be deleterious by in silico analysis (Choi Y et al. PLoS ONE. 2012; 7(10):e46688). Since supporting evidence is limited at this time, the clinical significance of this alteration remains unclear.